The following is an entry in ClinVar:

NM_000383.4(AIRE):c.1210G>A (p.Ala404Thr)

Gene: AIRE (autoimmune regulator; plus strand). Cytogenetic location: 21q22.3.
Variant type: single nucleotide variant.
Coding change: c.1210G>A on transcript NM_000383.4 (MANE Select); coding-DNA position 1210, G replaced by A.
Protein change: p.Ala404Thr; replaces alanine 404 with threonine.
Molecular consequence: missense variant.
Genome position (GRCh38, 1-based): chr21:44,293,107, G>A. VCF-style: chr21-44293107-G-A. GRCh37 (hg19) VCF-style: chr21-45712990-G-A.
Other names: short protein forms A404T.
Identifiers: ClinVar variation 1409553 (VCV001409553.6), dbSNP rs1340047804, ClinGen allele CA410425465.

ClinVar aggregate classification (germline): Uncertain significance (1 of 4 stars; one submission).

Conditions:
Polyglandular autoimmune syndrome, type 1 (APS1). Also called: PGA I; APS I; Autoimmune polyendocrine syndrome type 1; Autoimmune polyendocrinopathy syndrome, type I; Autoimmune polyendocrinopathy syndrome , type I, with or without reversible metaphyseal dysplasia; AUTOIMMUNE POLYENDOCRINE SYNDROME, TYPE I, WITH OR WITHOUT REVERSIBLE METAPHYSEAL DYSPLASIA. Identifiers: Orphanet 3453, MedGen C0085859, MONDO:0009411, OMIM 240300.

Allele frequency attached by ClinVar (database versions not stated): gnomAD 0.00001; TOPMed 0.00001.
gnomAD v4.1: 44 of 1,607,044 alleles (0.0027%); highest among the groups gnomAD compares: Non-Finnish European, 0.0037%; no homozygotes.

Submission:

Labcorp Genetics (formerly Invitae), Labcorp
Classification: Uncertain significance for Polyglandular autoimmune syndrome, type 1. Last evaluated: 2025-05-24. Review status: criteria provided, single submitter. Criteria: Invitae Variant Classification Sherloc (09022015). Collection method: clinical testing. Allele origin: germline.
Comment: This sequence change replaces alanine, which is neutral and non-polar, with threonine, which is neutral and polar, at codon 404 of the AIRE protein (p.Ala404Thr). This variant is present in population databases (no rsID available, gnomAD 0.0008%). This variant has not been reported in the literature in individuals affected with AIRE-related conditions. ClinVar contains an entry for this variant (Variation ID: 1409553). Invitae Evidence Modeling of protein sequence and biophysical properties (such as structural, functional, and spatial information, amino acid conservation, physicochemical variation, residue mobility, and thermodynamic stability) indicates that this missense variant is not expected to disrupt AIRE protein function with a negative predictive value of 95%. In summary, the available evidence is currently insufficient to determine the role of this variant in disease. Therefore, it has been classified as a Variant of Uncertain Significance.